The following is an entry in ClinVar:

ClinVar aggregate classification (germline): Uncertain significance (1 of 4 stars; one submission).

Conditions:
Werner syndrome (WRN). Identifiers: Orphanet 902, MedGen C0043119, MONDO:0010196, OMIM 277700.

Submission:

Labcorp Genetics (formerly Invitae), Labcorp
Classification: Uncertain significance for Werner syndrome. Last evaluated: 2021-12-27. Review status: criteria provided, single submitter. Criteria: Invitae Variant Classification Sherloc (09022015). Collection method: clinical testing. Allele origin: germline.
Comment: This variant results in a copy number gain of the genomic region encompassing exon(s) 34-35 of the WRN gene. This region includes the termination codon of the gene. This copy number gain extends beyond the assayed region for this gene and therefore may encompass additional genes. As the precise location of this event is unknown, it may be in tandem or it may be located elsewhere in the genome. This variant has not been reported in the literature in individuals affected with WRN-related conditions. In summary, the available evidence is currently insufficient to determine the role of this variant in disease. Therefore, it has been classified as a Variant of Uncertain Significance.

NC_000008.10:g.(?_31024528)_(31030618_?)dup

Gene: WRN (WRN RecQ like helicase; plus strand). Cytogenetic location: 8p12.
Variant type: Duplication.
Identifiers: ClinVar variation 1409879 (VCV001409879.4).